The following is an entry in ClinVar:

NM_015041.3(CLUAP1):c.1037G>A (p.Gly346Glu)

Gene: CLUAP1 (clusterin associated protein 1; plus strand). Cytogenetic location: 16p13.3.
Variant type: single nucleotide variant.
Coding change: c.1037G>A on transcript NM_015041.3 (MANE Select); coding-DNA position 1037, G replaced by A.
Protein change: p.Gly346Glu; replaces glycine 346 with glutamic acid.
Molecular consequence: missense variant.
Genome position (GRCh38, 1-based): chr16:3,532,786, G>A. VCF-style: chr16-3532786-G-A. GRCh37 (hg19) VCF-style: chr16-3582786-G-A.
Other names: c.1037G>A, p.Gly346Glu (NM_001330454.2); c.539G>A, p.Gly180Glu (NM_024793.3); short protein forms G180E, G346E.
Identifiers: ClinVar variation 2014787 (VCV002014787.4), dbSNP rs2038152061, ClinGen allele CA394515751.

ClinVar aggregate classification (germline): Uncertain significance (1 of 4 stars; one submission).

Allele frequency attached by ClinVar (database versions not stated): TOPMed below 0.00001.
gnomAD v4.1: 8 of 1,613,942 alleles (0.0005%); highest among the groups gnomAD compares: Non-Finnish European, 0.00068%; no homozygotes.

Submission:

Labcorp Genetics (formerly Invitae), Labcorp
Classification: Uncertain significance. Last evaluated: 2022-07-06. Review status: criteria provided, single submitter. Criteria: Invitae Variant Classification Sherloc (09022015). Collection method: clinical testing. Allele origin: germline.
Comment: This sequence change replaces glycine, which is neutral and non-polar, with glutamic acid, which is acidic and polar, at codon 346 of the CLUAP1 protein (p.Gly346Glu). This variant is not present in population databases (gnomAD no frequency). This variant has not been reported in the literature in individuals affected with CLUAP1-related conditions. Algorithms developed to predict the effect of missense changes on protein structure and function (SIFT, PolyPhen-2, Align-GVGD) all suggest that this variant is likely to be tolerated. In summary, the available evidence is currently insufficient to determine the role of this variant in disease. Therefore, it has been classified as a Variant of Uncertain Significance.